The following is an entry in ClinVar:

NM_004706.4(ARHGEF1):c.628A>G (p.Thr210Ala)

Gene: ARHGEF1 (Rho guanine nucleotide exchange factor 1; plus strand). Cytogenetic location: 19q13.2.
Variant type: single nucleotide variant.
Coding change: c.628A>G on transcript NM_004706.4 (MANE Select); coding-DNA position 628, A replaced by G.
Protein change: p.Thr210Ala; replaces threonine 210 with alanine.
Molecular consequence: missense variant. On other transcripts: non-coding transcript variant (2).
Genome position (GRCh38, 1-based): chr19:41,893,287, A>G. VCF-style: chr19-41893287-A-G. GRCh37 (hg19) VCF-style: chr19-42397358-A-G.
Other names: c.628A>G, p.Thr210Ala (NM_001396000.1, NM_001396003.1, NM_001396006.1); c.529A>G, p.Thr177Ala (NM_001396002.1, NM_001396004.1, NM_198977.2); c.673A>G, p.Thr225Ala (NM_199002.2); short protein forms T177A, T225A, T210A.
Identifiers: ClinVar variation 2789766 (VCV002789766.3), dbSNP rs1555846698, ClinGen allele CA406050753.

ClinVar aggregate classification (germline): Uncertain significance (1 of 4 stars; one submission).

Allele frequency attached by ClinVar (database versions not stated): gnomAD exomes below 0.00001.

Submission:

Labcorp Genetics (formerly Invitae), Labcorp
Classification: Uncertain significance. Last evaluated: 2023-08-11. Review status: criteria provided, single submitter. Criteria: Invitae Variant Classification Sherloc (09022015). Collection method: clinical testing. Allele origin: germline.
Comment: In summary, the available evidence is currently insufficient to determine the role of this variant in disease. Therefore, it has been classified as a Variant of Uncertain Significance. This sequence change replaces threonine, which is neutral and polar, with alanine, which is neutral and non-polar, at codon 225 of the ARHGEF1 protein (p.Thr225Ala). This variant is present in population databases (no rsID available, gnomAD 0.006%). This variant has not been reported in the literature in individuals affected with ARHGEF1-related conditions. Algorithms developed to predict the effect of missense changes on protein structure and function output the following: SIFT: "Not Available"; PolyPhen-2: "Benign"; Align-GVGD: "Not Available". The alanine amino acid residue is found in multiple mammalian species, which suggests that this missense change does not adversely affect protein function.